The following is an entry in ClinVar:

ClinVar aggregate classification (germline): Uncertain significance (1 of 4 stars; one submission).

gnomAD v4.1: 53 of 1,612,794 alleles (0.0033%); highest among the groups gnomAD compares: East Asian, 0.0045%; no homozygotes.

Submission:

Labcorp Genetics (formerly Invitae), Labcorp
Classification: Uncertain significance. Last evaluated: 2024-12-04. Review status: criteria provided, single submitter. Criteria: Invitae Variant Classification Sherloc (09022015). Collection method: clinical testing. Allele origin: germline.
Comment: This sequence change replaces threonine, which is neutral and polar, with isoleucine, which is neutral and non-polar, at codon 81 of the PMP2 protein (p.Thr81Ile). This variant is present in population databases (no rsID available, gnomAD 0.002%). This variant has not been reported in the literature in individuals affected with PMP2-related conditions. An algorithm developed to predict the effect of missense changes on protein structure and function (PolyPhen-2) suggests that this variant is likely to be tolerated. In summary, the available evidence is currently insufficient to determine the role of this variant in disease. Therefore, it has been classified as a Variant of Uncertain Significance.

NM_002677.5(PMP2):c.242C>T (p.Thr81Ile)

Gene: PMP2 (peripheral myelin protein 2; minus strand). Cytogenetic location: 8q21.13.
Variant type: single nucleotide variant.
Coding change: c.242C>T on transcript NM_002677.5 (MANE Select); coding-DNA position 242, C replaced by T.
Protein change: p.Thr81Ile; replaces threonine 81 with isoleucine.
Molecular consequence: missense variant. On other transcripts: intron variant (1).
Genome position (GRCh38, 1-based): chr8:81,444,821, G>A on the plus strand (C>T on the coding strand, the complement: PMP2 is on the minus strand). VCF-style: chr8-81444821-G-A. GRCh37 (hg19) VCF-style: chr8-82357056-G-A.
Other names: c.74-220C>T (NM_001348381.2); short protein forms T81I.
Identifiers: ClinVar variation 3615231 (VCV003615231.2).
Genomic context (GRCh38, chr8:81,444,821, plus strand): 5'-TCCTCTCTCTCAAGCAGCCCACTGGGCCAACTTTGAAGAGAAACATTAAAGATTACCTTG[G>A]TCTTTCTATTGTCAGCTGTGGTTTCTTCAAATTCCTGGCCTAGCTTGAAGGAGATTTCTG-3'
Protein context (NP_002668.1, residues 71-91): FEETTADNRK[Thr81Ile]KSIVTLQRGS